The following is an entry in ClinVar:

NM_004006.3(DMD):c.9225-138A>G

Gene: DMD (dystrophin; minus strand). Cytogenetic location: Xp21.2.
Variant type: single nucleotide variant.
Coding change: c.9225-138A>G on transcript NM_004006.3 (MANE Select); 138 bases into the intron before coding-DNA position 9225, A replaced by G.
Molecular consequence: intron variant.
Genome position (GRCh38, 1-based): chrX:31,261,154, T>C on the plus strand (A>G on the coding strand, the complement: DMD is on the minus strand). VCF-style: chrX-31261154-T-C. GRCh37 (hg19) VCF-style: chrX-31279271-T-C.
Other names: c.9201-138A>G (NM_000109.4); c.5202-138A>G (NM_004011.4); c.5193-138A>G (NM_004012.4); c.1845-138A>G (NM_004023.3, NM_004020.4, NM_004022.3 and 2 more transcripts); c.1038-138A>G (NM_004014.3); c.21-138A>G (NM_004018.3, NM_004017.3, NM_004016.3 and 2 more transcripts); c.9213-138A>G (NM_004009.3); c.8856-138A>G (NM_004010.3).
Identifiers: ClinVar variation 671291 (VCV000671291.2), dbSNP rs17338423, ClinGen allele CA328412619.

ClinVar aggregate classification (germline): Benign. Review status: criteria provided, single submitter (1 of 4 stars). 2 submissions from 2 submitters: Benign (1). 1 of the submissions does not count toward it. Last evaluated 2018-06-14.

Conditions:
Duchenne muscular dystrophy (DMD). Also called: MUSCULAR DYSTROPHY, PSEUDOHYPERTROPHIC PROGRESSIVE, DUCHENNE TYPE; Duchenne Muscular Dystrophy (DMD). Identifiers: Orphanet 98896, MedGen C0013264, MONDO:0010679, OMIM 310200.
Dystrophin deficiency.
Becker muscular dystrophy (BMD). Also called: MUSCULAR DYSTROPHY, PSEUDOHYPERTROPHIC PROGRESSIVE, BECKER TYPE; Becker Muscular Dystrophy (BMD). Identifiers: Orphanet 98895, MedGen C0917713, MONDO:0010311, OMIM 300376.
Cardiomyopathy (CMYO). Also called: Cardiomyopathies. Identifiers: Orphanet 167848, MedGen C0878544, MONDO:0004994, HP:0001638. Inheritance: Various modes of inheritance.

Allele frequency attached by ClinVar (database versions not stated): gnomAD 0.13760 and 0.14329; TOPMed 0.14974; gnomAD exomes 0.18900; 1000 Genomes Project 0.19974.
gnomAD v4.1: 92,195 of 515,832 alleles (18%); highest among the groups gnomAD compares: East Asian, 39%; 6,440 homozygotes.

Submissions (2):

GeneDx
Classification: Benign. Last evaluated: 2018-06-14. Review status: criteria provided, single submitter. Criteria: GeneDx Variant Classification (06012015). Collection method: clinical testing. Allele origin: germline. Affected: yes.
Comment: This variant is considered likely benign or benign based on one or more of the following criteria: it is a conservative change, it occurs at a poorly conserved position in the protein, it is predicted to be benign by multiple in silico algorithms, and/or has population frequency not consistent with disease.

Natera, Inc.
Classification: Benign for Becker muscular dystrophy; Cardiomyopathy; Duchenne muscular dystrophy; Dystrophin deficiency. Last evaluated: 2017-04-20. Review status: no assertion criteria provided. Collection method: clinical testing. Allele origin: germline. Not counted in ClinVar's aggregate classification.